The following is an entry in ClinVar:

ClinVar aggregate classification (germline): Uncertain significance (1 of 4 stars; one submission).

Conditions:
Intellectual developmental disorder 59. Also called: INTELLECTUAL DEVELOPMENTAL DISORDER, AUTOSOMAL DOMINANT 59; MENTAL RETARDATION, AUTOSOMAL DOMINANT 59. Identifiers: MedGen C5193190, MONDO:0032795, OMIM 618522.

gnomAD v4.1: 1 of 1,614,010 alleles (0.000062%); highest among the groups gnomAD compares: Non-Finnish European, 0.000085%; no homozygotes.

Submission:

3billion
Classification: Uncertain significance for Intellectual developmental disorder 59. Last evaluated: 2025-07-13. Review status: criteria provided, single submitter. Criteria: ACMG Guidelines, 2015. Collection method: clinical testing. Allele origin: germline. Affected: yes.
Comment: The variant is observed at an extremely low frequency in the gnomAD v4.1.0 dataset (total allele frequency: <0.001%). Predicted Consequence/Location: Missense variant. Missense changes are a common disease-causing mechanism. In silico tool predictions suggest damaging effect of the variant on gene or gene product [3Cnet: 0.99 (> 0.75, sensitivity 0.96 and precision 0.92)]. Therefore, this variant is classified as VUS according to the recommendation of ACMG/AMP guideline.

NM_001367534.1(CAMK2G):c.862G>A (p.Val288Met)

Gene: CAMK2G (calcium/calmodulin dependent protein kinase II gamma; minus strand). Cytogenetic location: 10q22.2.
Variant type: single nucleotide variant.
Coding change: c.862G>A on transcript NM_001367534.1 (MANE Select); coding-DNA position 862, G replaced by A.
Protein change: p.Val288Met; replaces valine 288 with methionine.
Molecular consequence: missense variant. On other transcripts: non-coding transcript variant (8).
Genome position (GRCh38, 1-based): chr10:73,842,499, C>T on the plus strand (G>A on the coding strand, the complement: CAMK2G is on the minus strand). VCF-style: chr10-73842499-C-T. GRCh37 (hg19) VCF-style: chr10-75602257-C-T.
Other names: c.862G>A, p.Val288Met (NM_001204492.2, NM_001222.4, NM_001320898.2 and 28 more transcripts); c.838G>A, p.Val280Met (NM_001367514.1, NM_001367532.1, NM_001367525.1); c.616G>A, p.Val206Met (NM_001367524.1, NM_001367539.1); c.550G>A, p.Val184Met (NM_001367537.1, NM_001367538.1); c.196G>A, p.Val66Met (NM_001367540.1); c.109G>A, p.Val37Met (NM_001367542.1); short protein forms V184M, V206M, V280M, V288M, V37M, V66M.
Identifiers: ClinVar variation 4855718 (VCV004855718.1).
Genomic context (GRCh38, chr10:73,842,499, plus strand): 5'-GCCTAGAAACGACACTCACCTTCAGTTTTCTCCGGGCATTGAACTTGCGCAAACACTCCA[C>T]AGTCTCCTGACGATGCATCATGGATGCCACCGTGGATCGTTGCTAGAAACCAAACAGACA-3'
Protein context (NP_001354463.1, residues 278-298): VASMMHRQET[Val288Met]ECLRKFNARR